The following is an entry in ClinVar:

NM_000399.5(EGR2):c.222A>G (p.Pro74=)

Gene: EGR2 (early growth response 2; minus strand). Cytogenetic location: 10q21.3.
Variant type: single nucleotide variant.
Coding change: c.222A>G on transcript NM_000399.5 (MANE Select); coding-DNA position 222, A replaced by G.
Protein change: p.Pro74=; no amino-acid change (proline 74 retained).
Molecular consequence: synonymous variant.
Genome position (GRCh38, 1-based): chr10:62,814,416, T>C on the plus strand (A>G on the coding strand, the complement: EGR2 is on the minus strand). VCF-style: chr10-62814416-T-C. GRCh37 (hg19) VCF-style: chr10-64574176-T-C.
Other names: c.222A>G, p.Pro74= (NM_001136177.3, NM_001136178.2); c.72A>G, p.Pro24= (NM_001136179.3, NM_001321037.2); c.222A>G (NM_000399.4).
Identifiers: ClinVar variation 415905 (VCV000415905.15), dbSNP rs201068734, ClinGen allele CA5517301.
Genomic context (GRCh38, chr10:62,814,416, plus strand): 5'-GCCCATGTAAGTGAAGGTCTGGTTTCTAGGTGCAGAGACGGGAGCAAAGCTGCTGGGATA[T>C]GGGAGATCCAACGACCTCTTCTCTCCAGTCATGTCAATGTTGATCATGCCATCTGGGGAG-3'
Protein context (NP_000390.2, residues 64-84): MTGEKRSLDL[Pro74=]YPSSFAPVSA

ClinVar aggregate classification (germline): Likely benign. Review status: criteria provided, multiple submitters, no conflicts (2 of 4 stars). 4 submissions from 4 submitters: Likely benign (4). Last evaluated 2025-11-03.

Conditions:
EGR2-related disorder. Also called: EGR2-related condition.
Inborn genetic diseases. Identifiers: MedGen C0950123, MeSH D030342.
Charcot-Marie-Tooth disease. Also called: Charcot-Marie-Tooth Neuropathy; Charcot-Marie-Tooth Hereditary Neuropathy. Identifiers: Orphanet 166, MedGen C0007959, MONDO:0015626.
Charcot-Marie-Tooth disease, type I (CMT1). Also called: Charcot-Marie-Tooth, Type 1; Charcot-Marie-Tooth disease type 1. Identifiers: Orphanet 65753, MedGen C0751036, MONDO:0019011.

Allele frequency attached by ClinVar (database versions not stated): ExAC 0.00003; gnomAD exomes 0.00005 and 0.00013; gnomAD 0.00007 and 0.00008; TOPMed 0.00007; ESP Exome Variant Server 0.00008.
gnomAD v4.1: 195 of 1,613,942 alleles (0.012%); highest among the groups gnomAD compares: Non-Finnish European, 0.015%; 1 homozygote.

Submissions (4):

PreventionGenetics, part of Exact Sciences
Classification: Likely benign for EGR2-related condition. Last evaluated: 2025-11-03. Review status: criteria provided, single submitter. Criteria: ACMG Guidelines, 2015. Collection method: clinical testing. Allele origin: germline.
Comment: This variant is classified as likely benign based on ACMG/AMP sequence variant interpretation guidelines (Richards et al. 2015 PMID: 25741868, with internal and published modifications).

Labcorp Genetics (formerly Invitae), Labcorp
Classification: Likely benign for Charcot-Marie-Tooth disease, type I. Last evaluated: 2024-07-30. Review status: criteria provided, single submitter. Criteria: Invitae Variant Classification Sherloc (09022015). Collection method: clinical testing. Allele origin: germline.

Ambry Genetics
Classification: Likely benign for Inborn genetic diseases. Last evaluated: 2019-07-11. Review status: criteria provided, single submitter. Criteria: Ambry Variant Classification Scheme 2023. Collection method: clinical testing. Allele origin: germline.

Molecular Genetics Laboratory, London Health Sciences Centre
Classification: Likely benign for Charcot-Marie-Tooth disease. Review status: criteria provided, single submitter. Criteria: ACMG Guidelines, 2015. Collection method: clinical testing. Allele origin: germline. Affected: yes.